The following is an entry in ClinVar:

ClinVar aggregate classification (germline): Uncertain significance (1 of 4 stars; one submission).

Conditions:
FGFR2-related craniosynostosis. Identifiers: MedGen CN231480.

Submission:

Labcorp Genetics (formerly Invitae), Labcorp
Classification: Uncertain significance for FGFR2-related craniosynostosis. Last evaluated: 2022-09-02. Review status: criteria provided, single submitter. Criteria: Invitae Variant Classification Sherloc (09022015). Collection method: clinical testing. Allele origin: germline.
Comment: In summary, the available evidence is currently insufficient to determine the role of this variant in disease. Therefore, it has been classified as a Variant of Uncertain Significance. Isolated whole-gene deletions of FGFR2 have not been reported in the literature. However, larger copy number events that include this gene have been reported (PMID: 17873121, 31754721). A gross deletion of the genomic region encompassing the full coding sequence of the FGFR2 gene has been identified. The current clinical and genetic evidence is not sufficient to establish whether loss-of-function variants in FGFR2 cause disease. The boundaries of this event are unknown as they extend beyond the assayed region for this gene and therefore may encompass additional genes.

Literature cited by the submitters: PubMed 17873121; PubMed 31754721.

NC_000010.10:g.(?_123239371)_(124813281_?)del

Genes: CUZD1 (CUB and zona pellucida like domains 1; minus strand), DMBT1 (deleted in malignant brain tumors 1; plus strand), FAM24A (family with sequence similarity 24 member A; plus strand), FAM24B (family with sequence similarity 24 member B; minus strand), HTRA1 (HtrA serine peptidase 1; plus strand) and 12 more. Cytogenetic location: 10q26.13.
Variant type: Deletion.
Identifiers: ClinVar variation 2422456 (VCV002422456.2).